The following is an entry in ClinVar:

NM_145861.4(EDARADD):c.484A>G (p.Ser162Gly)

Gene: EDARADD (EDAR associated via death domain; plus strand). Cytogenetic location: 1q43.
Variant type: single nucleotide variant.
Coding change: c.484A>G on transcript NM_145861.4 (MANE Select); coding-DNA position 484, A replaced by G.
Protein change: p.Ser162Gly; replaces serine 162 with glycine.
Molecular consequence: missense variant.
Genome position (GRCh38, 1-based): chr1:236,482,485, A>G. VCF-style: chr1-236482485-A-G. GRCh37 (hg19) VCF-style: chr1-236645785-A-G.
Other names: c.418A>G, p.Ser140Gly (NM_001422628.1); c.454A>G, p.Ser152Gly (NM_080738.5); short protein forms S152G, S162G, S140G.
Identifiers: ClinVar variation 2938095 (VCV002938095.3), dbSNP rs2526927359, ClinGen allele CA345354331.

ClinVar aggregate classification (germline): Uncertain significance (1 of 4 stars; one submission).

Conditions:
Ectodermal dysplasia 11A, hypohidrotic/hair/tooth type, autosomal dominant. Identifiers: Orphanet 1810, Orphanet 238468, MedGen C3541517, MONDO:0013982, OMIM 614940.
Ectodermal dysplasia 11B, hypohidrotic/hair/tooth type, autosomal recessive. Identifiers: Orphanet 238468, Orphanet 248, MedGen C3539920, MONDO:0013983, OMIM 614941.

Submission:

Labcorp Genetics (formerly Invitae), Labcorp
Classification: Uncertain significance for Ectodermal dysplasia 11B, hypohidrotic/hair/tooth type, autosomal recessive; Ectodermal dysplasia 11A, hypohidrotic/hair/tooth type, autosomal dominant. Last evaluated: 2022-11-11. Review status: criteria provided, single submitter. Criteria: Invitae Variant Classification Sherloc (09022015). Collection method: clinical testing. Allele origin: germline.
Comment: Algorithms developed to predict the effect of missense changes on protein structure and function (SIFT, PolyPhen-2, Align-GVGD) all suggest that this variant is likely to be disruptive. In summary, the available evidence is currently insufficient to determine the role of this variant in disease. Therefore, it has been classified as a Variant of Uncertain Significance. This variant has not been reported in the literature in individuals affected with EDARADD-related conditions. This variant is not present in population databases (gnomAD no frequency). This sequence change replaces serine, which is neutral and polar, with glycine, which is neutral and non-polar, at codon 162 of the EDARADD protein (p.Ser162Gly).